The following is an entry in ClinVar:

ClinVar aggregate classification (germline): Uncertain significance (1 of 4 stars; one submission).

Conditions:
Inborn genetic diseases. Identifiers: MedGen C0950123, MeSH D030342.

Submission:

Ambry Genetics
Classification: Uncertain significance for Inborn genetic diseases. Last evaluated: 2026-05-31. Review status: criteria provided, single submitter. Criteria: Ambry Variant Classification Scheme 2023. Collection method: clinical testing. Allele origin: germline.
Comment: The p.K425R variant (also known as c.1274A>G), located in coding exon 9 of the BUB1B gene, results from an A to G substitution at nucleotide position 1274. The lysine at codon 425 is replaced by arginine, an amino acid with highly similar properties. This amino acid position is conserved. In addition, this alteration is predicted to be tolerated by in silico analysis. Based on the available evidence, the clinical significance of this variant remains unclear.

NM_001211.6(BUB1B):c.1274A>G (p.Lys425Arg)

Gene: BUB1B (BUB1 mitotic checkpoint serine/threonine kinase B; plus strand). Cytogenetic location: 15q15.1.
Variant type: single nucleotide variant.
Coding change: c.1274A>G on transcript NM_001211.6 (MANE Select); coding-DNA position 1274, A replaced by G.
Protein change: p.Lys425Arg; replaces lysine 425 with arginine.
Molecular consequence: missense variant.
Genome position (GRCh38, 1-based): chr15:40,196,760, A>G. VCF-style: chr15-40196760-A-G. GRCh37 (hg19) VCF-style: chr15-40488961-A-G.
Other names: short protein forms K425R.
Identifiers: ClinVar variation 4868017 (VCV004868017.1).